The following is an entry in ClinVar:

NM_001042492.3(NF1):c.2695_2738dup (p.Ile913_Arg914insCysProTer)

Gene: NF1 (neurofibromin 1; plus strand). Cytogenetic location: 17q11.2.
Variant type: Duplication.
Coding change: c.2695_2738dup on transcript NM_001042492.3 (MANE Select); coding-DNA positions 2695 to 2738, 44 bases duplicated.
Protein change: p.Ile913_Arg914insCysProTer.
Molecular consequence: nonsense, inframe insertion. On other transcripts: frameshift variant (1).
Genome position (GRCh38, 1-based): chr17:31,229,310-31,229,353, 44 bases duplicated. GRCh37 (hg19): chr17:29,556,328-29,556,371.
Other names: c.2695_2738dup, p.Arg914Cysfs (NM_000267.4).
Identifiers: ClinVar variation 654522 (VCV000654522.5), dbSNP rs1597715646, ClinGen allele CA915949804.

ClinVar aggregate classification (germline): Pathogenic (1 of 4 stars; one submission).

Conditions:
Neurofibromatosis, type 1 (NF1). Also called: VON RECKLINGHAUSEN DISEASE; NEUROFIBROMATOSIS, TYPE I, SOMATIC; Peripheral type neurofibromatosis; Neurofibromatosis, type I. Identifiers: Orphanet 636, MedGen C0027831, MONDO:0018975, OMIM 162200. Disease mechanism: loss of function.

Submission:

Labcorp Genetics (formerly Invitae), Labcorp
Classification: Pathogenic for Neurofibromatosis, type 1. Last evaluated: 2018-09-17. Review status: criteria provided, single submitter. Criteria: Invitae Variant Classification Sherloc (09022015). Collection method: clinical testing. Allele origin: germline.
Comment: This sequence change creates a premature translational stop signal (p.Arg914Cysfs*3) in the NF1 gene. It is expected to result in an absent or disrupted protein product. This variant is not present in population databases (ExAC no frequency). This variant has not been reported in the literature in individuals with NF1-related disease. Loss-of-function variants in NF1 are known to be pathogenic (PMID: 10712197, 23913538). For these reasons, this variant has been classified as Pathogenic.

Literature cited by the submitters: PubMed 10712197; PubMed 23913538.